The following is an entry in ClinVar:

NM_005148.4(UNC119):c.28G>T (p.Ala10Ser)

Genes: UNC119 (unc-119 lipid binding chaperone; minus strand), LOC130060555 (ATAC-STARR-seq lymphoblastoid silent region 8343; plus strand). Cytogenetic location: 17q11.2.
Variant type: single nucleotide variant.
Coding change: c.28G>T on transcript NM_005148.4 (MANE Select); coding-DNA position 28, G replaced by T.
Protein change: p.Ala10Ser; replaces alanine 10 with serine.
Molecular consequence: missense variant. On other transcripts: 5 prime UTR variant (1).
Genome position (GRCh38, 1-based): chr17:28,552,530, C>A on the plus strand (G>T on the coding strand, the complement: UNC119 is on the minus strand). VCF-style: chr17-28552530-C-A. GRCh37 (hg19) VCF-style: chr17-26879548-C-A.
Other names: c.-286G>T (NM_001330166.2); c.28G>T, p.Ala10Ser (NM_054035.2); c.28G>T (NM_005148.3); short protein forms A10S.
Identifiers: ClinVar variation 1394399 (VCV001394399.7), dbSNP rs1164865388, ClinGen allele CA398336882.

ClinVar aggregate classification (germline): Uncertain significance. Review status: criteria provided, multiple submitters, no conflicts (2 of 4 stars). 2 submissions from 2 submitters: Uncertain significance (2). Last evaluated 2025-06-17.

Allele frequency attached by ClinVar (database versions not stated): gnomAD exomes below 0.00001.
gnomAD v4.1: 2 of 1,544,560 alleles (0.00013%); highest among the groups gnomAD compares: Non-Finnish European, 0.00017%; no homozygotes.

Submissions (2):

Labcorp Genetics (formerly Invitae), Labcorp
Classification: Uncertain significance. Last evaluated: 2025-06-17. Review status: criteria provided, single submitter. Criteria: Invitae Variant Classification Sherloc (09022015). Collection method: clinical testing. Allele origin: germline.
Comment: This sequence change replaces alanine, which is neutral and non-polar, with serine, which is neutral and polar, at codon 10 of the UNC119 protein (p.Ala10Ser). The frequency data for this variant in the population databases is considered unreliable, as metrics indicate poor data quality at this position in the gnomAD database. This variant has not been reported in the literature in individuals affected with UNC119-related conditions. ClinVar contains an entry for this variant (Variation ID: 1394399). An algorithm developed to predict the effect of missense changes on protein structure and function (PolyPhen-2) suggests that this variant is likely to be tolerated. In summary, the available evidence is currently insufficient to determine the role of this variant in disease. Therefore, it has been classified as a Variant of Uncertain Significance.

Ambry Genetics
Classification: Uncertain significance. Last evaluated: 2024-04-25. Review status: criteria provided, single submitter. Criteria: Ambry Variant Classification Scheme 2023. Collection method: clinical testing. Allele origin: germline.